The following is an entry in ClinVar:

NM_015386.3(COG4):c.289C>T (p.Gln97Ter)

Gene: COG4 (component of oligomeric golgi complex 4; minus strand). Cytogenetic location: 16q22.1.
Variant type: single nucleotide variant.
Coding change: c.289C>T on transcript NM_015386.3 (MANE Select); coding-DNA position 289, C replaced by T.
Protein change: p.Gln97Ter; replaces glutamine 97 with a stop codon.
Molecular consequence: nonsense. On other transcripts: non-coding transcript variant (1), 5 prime UTR variant (1).
Genome position (GRCh38, 1-based): chr16:70,517,706, G>A on the plus strand (C>T on the coding strand, the complement: COG4 is on the minus strand). VCF-style: chr16-70517706-G-A. GRCh37 (hg19) VCF-style: chr16-70551609-G-A.
Other names: c.277C>T, p.Gln93Ter (NM_001195139.2); c.-311C>T (NM_001365426.1); short protein forms Q93*, Q97*.
Identifiers: ClinVar variation 4849452 (VCV004849452.1).

ClinVar aggregate classification (germline): Likely pathogenic (1 of 4 stars; one submission).

Conditions:
COG4-congenital disorder of glycosylation. Also called: CONGENITAL DISORDER OF GLYCOSYLATION, TYPE IIj; CDG IIj; COG4-CDG. Identifiers: Orphanet 263501, MedGen C4303552, MONDO:0013281, OMIM 613489.

Submission:

First Genomix Gene Laboratory, Genetic Diagnostics Department
Classification: Likely pathogenic for COG4-congenital disorder of glycosylation. Last evaluated: 2025-06-04. Review status: criteria provided, single submitter. Criteria: ACMG Guidelines, 2015. Collection method: clinical testing. Allele origin: germline. Inheritance: Autosomal recessive inheritance. Affected: no.